The following is an entry in ClinVar:

NM_005751.5(AKAP9):c.9814G>A (p.Glu3272Lys)

Gene: AKAP9 (A-kinase anchoring protein 9; plus strand). Cytogenetic location: 7q21.2.
Variant type: single nucleotide variant.
Coding change: c.9814G>A on transcript NM_005751.5 (MANE Select); coding-DNA position 9814, G replaced by A.
Protein change: p.Glu3272Lys; replaces glutamic acid 3272 with lysine.
Molecular consequence: missense variant.
Genome position (GRCh38, 1-based): chr7:92,096,773, G>A. VCF-style: chr7-92096773-G-A. GRCh37 (hg19) VCF-style: chr7-91726087-G-A.
Other names: c.4459G>A, p.Glu1487Lys (NM_001379277.1); c.9790G>A, p.Glu3264Lys (NM_147185.3); c.9814G>A (NM_005751.4); short protein forms E1487K, E3264K, E3272K.
Identifiers: ClinVar variation 1416669 (VCV001416669.10), dbSNP rs771303714, ClinGen allele CA4337852.

ClinVar aggregate classification (germline): Uncertain significance. Review status: criteria provided, multiple submitters, no conflicts (2 of 4 stars). 3 submissions from 3 submitters: Uncertain significance (3). Last evaluated 2025-12-26.

Conditions:
Long QT syndrome (LQTS). Identifiers: MedGen C0023976, MeSH D008133, MONDO:0002442. Disease mechanism: loss of function. Inheritance: Various modes of inheritance.
Cardiovascular phenotype. Identifiers: MedGen CN230736.
Long QT syndrome 11 (LQT11). Identifiers: Orphanet 101016, Orphanet 768, MedGen C2678483, MONDO:0012738, OMIM 611820.

Allele frequency attached by ClinVar (database versions not stated): gnomAD exomes 0.00001 and below 0.00001; TOPMed 0.00002; ExAC 0.00001; gnomAD 0.00001.
gnomAD v4.1: 8 of 1,614,024 alleles (0.0005%); highest among the groups gnomAD compares: African/African-American, 0.0027%; no homozygotes.

Submissions (3):

Ambry Genetics
Classification: Uncertain significance for Cardiovascular phenotype. Last evaluated: 2025-12-26. Review status: criteria provided, single submitter. Criteria: Ambry Variant Classification Scheme 2023. Collection method: clinical testing. Allele origin: germline.
Comment: The p.E3272K variant (also known as c.9814G>A), located in coding exon 41 of the AKAP9 gene, results from a G to A substitution at nucleotide position 9814. The glutamic acid at codon 3272 is replaced by lysine, an amino acid with similar properties. This amino acid position is conserved. In addition, this alteration is predicted to be tolerated by in silico analysis. Based on the available evidence, the clinical significance of this variant remains unclear.

Labcorp Genetics (formerly Invitae), Labcorp
Classification: Uncertain significance for Long QT syndrome. Last evaluated: 2022-02-08. Review status: criteria provided, single submitter. Criteria: Invitae Variant Classification Sherloc (09022015). Collection method: clinical testing. Allele origin: germline.
Comment: In summary, the available evidence is currently insufficient to determine the role of this variant in disease. Therefore, it has been classified as a Variant of Uncertain Significance. Algorithms developed to predict the effect of missense changes on protein structure and function output the following: SIFT: "Tolerated"; PolyPhen-2: "Probably Damaging"; Align-GVGD: "Class C0". The lysine amino acid residue is found in multiple mammalian species, which suggests that this missense change does not adversely affect protein function. This variant has not been reported in the literature in individuals affected with AKAP9-related conditions. This variant is present in population databases (rs771303714, gnomAD 0.008%). This sequence change replaces glutamic acid, which is acidic and polar, with lysine, which is basic and polar, at codon 3272 of the AKAP9 protein (p.Glu3272Lys).

Fulgent Genetics
Classification: Uncertain significance for Long QT syndrome 11. Last evaluated: 2021-10-01. Review status: criteria provided, single submitter. Criteria: ACMG Guidelines, 2015. Collection method: clinical testing. Allele origin: unknown.